The following is an entry in ClinVar:

NM_013266.4(CTNNA3):c.421A>G (p.Met141Val)

Gene: CTNNA3 (catenin alpha 3; minus strand). Cytogenetic location: 10q21.3.
Variant type: single nucleotide variant.
Coding change: c.421A>G on transcript NM_013266.4 (MANE Select); coding-DNA position 421, A replaced by G.
Protein change: p.Met141Val; replaces methionine 141 with valine.
Molecular consequence: missense variant.
Genome position (GRCh38, 1-based): chr10:67,539,541, T>C on the plus strand (A>G on the coding strand, the complement: CTNNA3 is on the minus strand). VCF-style: chr10-67539541-T-C. GRCh37 (hg19) VCF-style: chr10-69299299-T-C.
Other names: c.421A>G, p.Met141Val (NM_001127384.3); c.457A>G, p.Met153Val (NM_001291133.2); c.421A>G (NM_013266.2); short protein forms M141V, M153V.
Identifiers: ClinVar variation 1016700 (VCV001016700.7), dbSNP rs781595088, ClinGen allele CA5520629.
Genomic context (GRCh38, chr10:67,539,541, plus strand): 5'-AACTAAGCCATCTTTTACTTACAGCTGACACATGTTGCAAGAGGCACATGACATCAATCA[T>C]GTCCGCAAGGATAAGGAGTCTCGTCACCGCAGCCAGCAAGGCACGGGCAGCTTGAACCAC-3'
Protein context (NP_037398.2, residues 131-151): AVTRLLILAD[Met141Val]IDVMCLLQHV

ClinVar aggregate classification (germline): Uncertain significance. Review status: criteria provided, multiple submitters, no conflicts (2 of 4 stars). 2 submissions from 2 submitters: Uncertain significance (2). Last evaluated 2025-06-09.

Conditions:
Arrhythmogenic right ventricular dysplasia 13. Also called: ARRHYTHMOGENIC RIGHT VENTRICULAR CARDIOMYOPATHY 13; Arrhythmogenic right ventricular dysplasia, familial, 13. Identifiers: MedGen C3810138, MONDO:0000908, OMIM 615616.

Allele frequency attached by ClinVar (database versions not stated): TOPMed below 0.00001; ExAC 0.00001; gnomAD exomes 0.00001 and below 0.00001.

Submissions (2):

Labcorp Genetics (formerly Invitae), Labcorp
Classification: Uncertain significance for Arrhythmogenic right ventricular dysplasia 13. Last evaluated: 2025-06-09. Review status: criteria provided, single submitter. Criteria: Invitae Variant Classification Sherloc (09022015). Collection method: clinical testing. Allele origin: germline.
Comment: This sequence change replaces methionine, which is neutral and non-polar, with valine, which is neutral and non-polar, at codon 141 of the CTNNA3 protein (p.Met141Val). This variant is present in population databases (rs781595088, gnomAD 0.0009%). This variant has not been reported in the literature in individuals affected with CTNNA3-related conditions. ClinVar contains an entry for this variant (Variation ID: 1016700). Invitae Evidence Modeling of protein sequence and biophysical properties (such as structural, functional, and spatial information, amino acid conservation, physicochemical variation, residue mobility, and thermodynamic stability) indicates that this missense variant is not expected to disrupt CTNNA3 protein function with a negative predictive value of 80%. In summary, the available evidence is currently insufficient to determine the role of this variant in disease. Therefore, it has been classified as a Variant of Uncertain Significance.

Ambry Genetics
Classification: Uncertain significance. Last evaluated: 2025-02-22. Review status: criteria provided, single submitter. Criteria: Ambry Variant Classification Scheme 2023. Collection method: clinical testing. Allele origin: germline.
Comment: The p.M141V variant (also known as c.421A>G), located in coding exon 3 of the CTNNA3 gene, results from an A to G substitution at nucleotide position 421. The methionine at codon 141 is replaced by valine, an amino acid with highly similar properties. This amino acid position is conserved. In addition, the in silico prediction for this alteration is inconclusive. Based on the available evidence, the clinical significance of this variant remains unclear.